The following is an entry in ClinVar:

ClinVar aggregate classification (germline): Pathogenic. Review status: criteria provided, multiple submitters, no conflicts (2 of 4 stars). 3 submissions from 3 submitters: Pathogenic (2). 1 of the submissions does not count toward it. Last evaluated 2025-03-04.

Conditions:
Neurofibromatosis, type 1 (NF1). Also called: VON RECKLINGHAUSEN DISEASE; Peripheral type neurofibromatosis; Neurofibromatosis, type I; NEUROFIBROMATOSIS, TYPE I, SOMATIC. Identifiers: Orphanet 636, MedGen C0027831, MONDO:0018975, OMIM 162200. Disease mechanism: loss of function.
Cardiovascular phenotype. Identifiers: MedGen CN230736.
Hereditary cancer-predisposing syndrome. Also called: Tumor predisposition; Hereditary neoplastic syndrome; Neoplastic Syndromes, Hereditary; Hereditary Cancer Syndrome. Identifiers: Orphanet 140162, MedGen C0027672, MeSH D009386, MONDO:0015356.

Submissions (3):

Ambry Genetics
Classification: Pathogenic for Cardiovascular phenotype; Hereditary cancer-predisposing syndrome. Last evaluated: 2025-03-04. Review status: criteria provided, single submitter. Criteria: Ambry Variant Classification Scheme 2023. Collection method: clinical testing. Allele origin: germline.
Comment: The c.461_462delTT pathogenic mutation, located in coding exon 4 of the NF1 gene, results from a deletion of two nucleotides at nucleotide positions 461 to 462, causing a translational frameshift with a predicted alternate stop codon (p.F154*). This variant was reported in individual(s) with features consistent with Neurofibromatosis type 1 in at least one individual (Tsipi M et al. J Neurol Sci, 2018 Dec;395:95-105). This variant is considered to be rare based on population cohorts in the Genome Aggregation Database (gnomAD). This alteration is expected to result in loss of function by premature protein truncation or nonsense-mediated mRNA decay. As such, this alteration is interpreted as a disease-causing mutation.

Labcorp Genetics (formerly Invitae), Labcorp
Classification: Pathogenic for Neurofibromatosis, type 1. Last evaluated: 2024-10-07. Review status: criteria provided, single submitter. Criteria: Invitae Variant Classification Sherloc (09022015). Collection method: clinical testing. Allele origin: germline.
Comment: This sequence change creates a premature translational stop signal (p.Phe154*) in the NF1 gene. It is expected to result in an absent or disrupted protein product. Loss-of-function variants in NF1 are known to be pathogenic (PMID: 10712197, 23913538). This variant is not present in population databases (gnomAD no frequency). This premature translational stop signal has been observed in individual(s) with clinical features of neurofibromatosis type 1 (PMID: 30308447). ClinVar contains an entry for this variant (Variation ID: 934275). For these reasons, this variant has been classified as Pathogenic.

Laboratory of Medical Genetics, National & Kapodistrian University of Athens
Classification: Pathogenic for Neurofibromatosis, type 1. Last evaluated: 2019-01-01. Review status: no assertion criteria provided. Collection method: clinical testing. Allele origin: germline. Affected: yes. Not counted in ClinVar's aggregate classification.

Literature cited by the submitters: PubMed 30308447 (cited by Ambry Genetics and Labcorp Genetics (formerly Invitae), Labcorp); PubMed 10712197 (cited by Labcorp Genetics (formerly Invitae), Labcorp); PubMed 23913538 (cited by Labcorp Genetics (formerly Invitae), Labcorp).

NM_001042492.3(NF1):c.461_462del (p.Val153_Phe154insTer)

Gene: NF1 (neurofibromin 1; plus strand). Cytogenetic location: 17q11.2.
Variant type: Deletion.
Coding change: c.461_462del on transcript NM_001042492.3 (MANE Select); coding-DNA positions 461 to 462, 2 bases deleted (TT; older notation c.461_462delTT).
Protein change: p.Val153_Phe154insTer.
Molecular consequence: nonsense. On other transcripts: frameshift variant (1).
Genome position (GRCh38, 1-based): chr17:31,163,358-31,163,359, TT deleted; deleting any 2 consecutive bases within chr17:31,163,357-31,163,359 gives the same sequence; the c. name uses the placement nearest the transcript's 3' end. VCF-style (leftmost placement, unchanged base first): chr17-31163356-CTT-C. GRCh37 (hg19) VCF-style: chr17-29490374-CTT-C.
Other names: c.461_462delTT (NM_000267.3, NM_001042492.3); c.461_462delTT, p.Phe154Terfs (NM_000267.4); c.461_462del, p.Val153_Phe154insTer (NM_001128147.3).
Identifiers: ClinVar variation 934275 (VCV000934275.8), dbSNP rs2065795756, ClinGen allele CA1139665354.
Genomic context (GRCh38, chr17:31,163,356, plus strand): 5'-ACTTCGGAATTCTGCCTCTGGGGTTTTATTTTCTCTCAGCTGCAACAACTTCAATGCAGT[CTT>C]TAGTCGCATTTCTACCAGGTTAGTGTGTAAATCCACATGGGACTACTGAAGTAATATGAA-3'